The following is an entry in ClinVar:

NM_001267550.2(TTN):c.98960C>T (p.Ser32987Phe)

Genes: TTN (titin; minus strand), TTN-AS1 (TTN antisense RNA 1; plus strand). Cytogenetic location: 2q31.2.
Variant type: single nucleotide variant.
Coding change: c.98960C>T on transcript NM_001267550.2 (MANE Select); coding-DNA position 98960, C replaced by T.
Protein change: p.Ser32987Phe; replaces serine 32987 with phenylalanine.
Molecular consequence: missense variant. On other transcripts: non-coding transcript variant (1).
Genome position (GRCh38, 1-based): chr2:178,538,975, G>A on the plus strand (C>T on the coding strand, the complement: TTN is on the minus strand). VCF-style: chr2-178538975-G-A. GRCh37 (hg19) VCF-style: chr2-179403702-G-A.
Other names: p.S31346F:TCT>TTT; c.94037C>T, p.Ser31346Phe (NM_001256850.1); c.71765C>T, p.Ser23922Phe (NM_003319.4); c.91256C>T, p.Ser30419Phe (NM_133378.4); c.72140C>T, p.Ser24047Phe (NM_133432.3); c.72341C>T, p.Ser24114Phe (NM_133437.4); short protein forms S31346F, S32987F, S30419F, S24114F, S23922F, S24047F.
Identifiers: ClinVar variation 203044 (VCV000203044.14), dbSNP rs746380940, ClinGen allele CA311070.

ClinVar aggregate classification (germline): Conflicting classifications of pathogenicity. Review status: criteria provided, conflicting classifications (1 of 4 stars). 9 submissions from 5 submitters: Uncertain significance (5); Benign (1); Likely benign (2). 1 of the submissions does not count toward it. Last evaluated 2025-04-09.

Conditions:
Myopathy, myofibrillar, 9, with early respiratory failure (MFM9). Also called: EDSTROM MYOPATHY; MYOPATHY, PROXIMAL, WITH EARLY RESPIRATORY MUSCLE INVOLVEMENT; Myopathy, distal, with early respiratory failure, autosomal dominant; Hereditary myopathy with early respiratory failure. Identifiers: Orphanet 178464, Orphanet 34521, MedGen C1863599, MONDO:0011362, OMIM 603689.
Early-onset myopathy with fatal cardiomyopathy (CMYO5). Also called: CONGENITAL MYOPATHY 5 WITH CARDIOMYOPATHY; Salih Myopathy. Identifiers: Orphanet 289377, MedGen C2673677, MONDO:0012714, OMIM 611705. Disease mechanism: loss of function.
Hypertrophic cardiomyopathy 9. Also called: Familial hypertrophic cardiomyopathy 9. Identifiers: MedGen C1861065, MONDO:0013412, OMIM 613765.
Dilated cardiomyopathy 1G (CMD1G). Identifiers: Orphanet 154, MedGen C1858763, MONDO:0011400, OMIM 604145.
Tibial muscular dystrophy (TMD). Also called: UDD MYOPATHY; Tibial muscular dystrophy, tardive; Udd Distal Myopathy – Tibial Muscular Dystrophy. Identifiers: Orphanet 609, MedGen C1838244, MONDO:0010870, OMIM 600334.
Autosomal recessive limb-girdle muscular dystrophy type 2J (LGMDR10). Also called: MUSCULAR DYSTROPHY, LIMB-GIRDLE, AUTOSOMAL RECESSIVE 10; Limb-girdle muscular dystrophy, type 2J. Identifiers: Orphanet 140922, MedGen C1837342, MONDO:0012127, OMIM 608807.

Allele frequency attached by ClinVar (database versions not stated): ExAC 0.00008; gnomAD exomes 0.00008 and 0.00013; gnomAD 0.00014 and 0.00015; TOPMed 0.00014.
gnomAD v4.1: 208 of 1,610,540 alleles (0.013%); highest among the groups gnomAD compares: Non-Finnish European, 0.017%; no homozygotes.

Submissions (9):

Molecular Diagnostic Laboratory for Inherited Cardiovascular Disease, Montreal Heart Institute
Classification: Likely benign. Last evaluated: 2025-04-09. Review status: criteria provided, single submitter. Criteria: ACMG Guidelines, 2015. Collection method: clinical testing. Allele origin: germline. Affected: no.

Illumina Laboratory Services, Illumina
Classification: Uncertain significance for Autosomal recessive limb-girdle muscular dystrophy type 2J. Last evaluated: 2018-01-12. Review status: criteria provided, single submitter. Criteria: ICSL Variant Classification Criteria 13 December 2019. Collection method: clinical testing. Allele origin: germline.

Illumina Laboratory Services, Illumina
Classification: Uncertain significance for Dilated cardiomyopathy 1G. Last evaluated: 2018-01-12. Review status: criteria provided, single submitter. Criteria: ICSL Variant Classification Criteria 13 December 2019. Collection method: clinical testing. Allele origin: germline.

Illumina Laboratory Services, Illumina
Classification: Benign for Tibial muscular dystrophy. Last evaluated: 2018-01-12. Review status: criteria provided, single submitter. Criteria: ICSL Variant Classification Criteria 13 December 2019. Collection method: clinical testing. Allele origin: germline.
Comment: This variant was observed in the ICSL laboratory as part of a predisposition screen in an ostensibly healthy population. It had not been previously curated by ICSL or reported in the Human Gene Mutation Database (HGMD: prior to June 1st, 2018), and was therefore a candidate for classification through an automated scoring system. Utilizing variant allele frequency, disease prevalence and penetrance estimates, and inheritance mode, an automated score was calculated to assess if this variant is too frequent to cause the disease. Based on the score and internal cut-off values, a variant classified as benign is not then subjected to further curation. The score for this variant resulted in a classification of benign for this disease.

Illumina Laboratory Services, Illumina
Classification: Likely benign for Myopathy, myofibrillar, 9, with early respiratory failure. Last evaluated: 2018-01-12. Review status: criteria provided, single submitter. Criteria: ICSL Variant Classification Criteria 13 December 2019. Collection method: clinical testing. Allele origin: germline.
Comment: This variant was observed in the ICSL laboratory as part of a predisposition screen in an ostensibly healthy population. It had not been previously curated by ICSL or reported in the Human Gene Mutation Database (HGMD: prior to June 1st, 2018), and was therefore a candidate for classification through an automated scoring system. Utilizing variant allele frequency, disease prevalence and penetrance estimates, and inheritance mode, an automated score was calculated to assess if this variant is too frequent to cause the disease. Based on the score and internal cut-off values, a variant classified as likely benign is not then subjected to further curation. The score for this variant resulted in a classification of likely benign for this disease.

Illumina Laboratory Services, Illumina
Classification: Uncertain significance for Early-onset myopathy with fatal cardiomyopathy. Last evaluated: 2018-01-12. Review status: criteria provided, single submitter. Criteria: ICSL Variant Classification Criteria 13 December 2019. Collection method: clinical testing. Allele origin: germline.

GeneDx
Classification: Uncertain significance. Last evaluated: 2017-04-27. Review status: criteria provided, single submitter. Criteria: GeneDx Variant Classification (06012015). Collection method: clinical testing. Allele origin: germline. Affected: yes.
Comment: Missense variants in the TTN gene are considered 'unclassified' if they are not previously reported in the literature and do not have >1% frequency in the population to be considered a polymorphism. Research indicates that truncating variants in the TTN gene are expected to account for approximately 25% of familial and 18% of sporadic idiopathic DCM; however, truncating variants in the TTN gene have been reported in approximately 3% of reported control alleles. There has been little investigation into non-truncating variants. (Herman D et al. Truncations of titin causing dilated cardiomyopathy. N Eng J Med 366:619-628, 2012) Therefore, based on the currently available information, it is unclear whether this variant is a pathogenic variant or a rare benign variant.

ARUP Laboratories, Molecular Genetics and Genomics, ARUP Laboratories
Classification: Uncertain significance. Last evaluated: 2017-02-06. Review status: criteria provided, single submitter. Criteria: ARUP Molecular Germline Variant Investigation Process. Collection method: clinical testing. Allele origin: germline.

Division of Human Genetics, Children's Hospital of Philadelphia
Classification: Uncertain significance for Dilated cardiomyopathy 1G; Tibial muscular dystrophy; Autosomal recessive limb-girdle muscular dystrophy type 2J; Early-onset myopathy with fatal cardiomyopathy; Myopathy, myofibrillar, 9, with early respiratory failure; Hypertrophic cardiomyopathy 9. Last evaluated: 2016-03-24. Review status: no assertion criteria provided. Collection method: research. Allele origin: paternal. Affected: yes. Study: CSER-PediSeq. Not counted in ClinVar's aggregate classification.